The following is an entry in ClinVar:

ClinVar aggregate classification (germline): Uncertain significance (1 of 4 stars; one submission).

Submission:

GeneDx
Classification: Uncertain significance. Last evaluated: 2019-03-27. Review status: criteria provided, single submitter. Criteria: GeneDx Variant Classification Process June 2021. Collection method: clinical testing. Allele origin: germline. Affected: yes.
Comment: Has not been previously published as pathogenic or benign to our knowledge; Not observed in large population cohorts (Lek et al., 2016); In silico analysis, which includes protein predictors and evolutionary conservation, supports a deleterious effect

NM_020442.6(VARS2):c.2037G>T (p.Gln679His)

Genes: VARS2 (valyl-tRNA synthetase 2, mitochondrial; plus strand), LOC126859646 (MED14-independent group 3 enhancer GRCh37_chr6:30889690-30890889; plus strand). Cytogenetic location: 6p21.33.
Variant type: single nucleotide variant.
Coding change: c.2037G>T on transcript NM_020442.6 (MANE Select); coding-DNA position 2037, G replaced by T.
Protein change: p.Gln679His; replaces glutamine 679 with histidine.
Molecular consequence: missense variant.
Genome position (GRCh38, 1-based): chr6:30,922,554, G>T. VCF-style: chr6-30922554-G-T. GRCh37 (hg19) VCF-style: chr6-30890331-G-T.
Other names: c.1617G>T, p.Gln539His (NM_001167733.3); c.2127G>T, p.Gln709His (NM_001167734.2); short protein forms Q539H, Q679H, Q709H.
Identifiers: ClinVar variation 1308350 (VCV001308350.2), dbSNP rs2150564545, ClinGen allele CA363174691.